The following is an entry in ClinVar:

ClinVar aggregate classification (germline): Uncertain significance. Review status: criteria provided, multiple submitters, no conflicts (2 of 4 stars). 2 submissions from 2 submitters: Uncertain significance (2). Last evaluated 2024-12-23.

Conditions:
Wolcott-Rallison dysplasia. Also called: MED-IDDM SYNDROME; Wolcott-Rallison syndrome. Identifiers: Orphanet 1667, MedGen C0432217, MONDO:0009192, OMIM 226980.

gnomAD v4.1: 24 of 1,614,218 alleles (0.0015%); highest among the groups gnomAD compares: East Asian, 0.045%; no homozygotes.

Submissions (2):

Labcorp Genetics (formerly Invitae), Labcorp
Classification: Uncertain significance. Last evaluated: 2024-12-23. Review status: criteria provided, single submitter. Criteria: Invitae Variant Classification Sherloc (09022015). Collection method: clinical testing. Allele origin: germline.
Comment: This sequence change replaces threonine, which is neutral and polar, with isoleucine, which is neutral and non-polar, at codon 862 of the EIF2AK3 protein (p.Thr862Ile). This variant is present in population databases (rs200955126, gnomAD 0.06%). This variant has not been reported in the literature in individuals affected with EIF2AK3-related conditions. An algorithm developed to predict the effect of missense changes on protein structure and function (PolyPhen-2) suggests that this variant is likely to be tolerated. In summary, the available evidence is currently insufficient to determine the role of this variant in disease. Therefore, it has been classified as a Variant of Uncertain Significance.

Fulgent Genetics
Classification: Uncertain significance for Wolcott-Rallison dysplasia. Last evaluated: 2024-04-12. Review status: criteria provided, single submitter. Criteria: ACMG Guidelines, 2015. Collection method: clinical testing. Allele origin: germline.

NM_004836.7(EIF2AK3):c.2585C>T (p.Thr862Ile)

Genes: EIF2AK3-AS1 (EIF2AK3 antisense RNA 1; plus strand), EIF2AK3 (eukaryotic translation initiation factor 2 alpha kinase 3; minus strand). Cytogenetic location: 2p11.2.
Variant type: single nucleotide variant.
Coding change: c.2585C>T on transcript NM_004836.7 (MANE Select); coding-DNA position 2585, C replaced by T.
Protein change: p.Thr862Ile; replaces threonine 862 with isoleucine.
Molecular consequence: missense variant. On other transcripts: non-coding transcript variant (1).
Genome position (GRCh38, 1-based): chr2:88,574,898, G>A on the plus strand (C>T on the coding strand, the complement: EIF2AK3 is on the minus strand). VCF-style: chr2-88574898-G-A. GRCh37 (hg19) VCF-style: chr2-88874416-G-A.
Other names: c.2132C>T, p.Thr711Ile (NM_001313915.2); short protein forms T711I, T862I.
Identifiers: ClinVar variation 3586965 (VCV003586965.3).